The following is an entry in ClinVar:

NM_001040616.3(LINS1):c.-104+5G>C

Genes: LINS1 (lines homolog 1; minus strand), LOC130058042 (ATAC-STARR-seq lymphoblastoid active region 10170; plus strand). Cytogenetic location: 15q26.3.
Variant type: single nucleotide variant.
Coding change: c.-104+5G>C on transcript NM_001040616.3 (MANE Select); 5 bases into the intron after 104 bases upstream of the start codon, G replaced by C.
Molecular consequence: intron variant.
Genome position (GRCh38, 1-based): chr15:100,602,116, C>G on the plus strand (G>C on the coding strand, the complement: LINS1 is on the minus strand). VCF-style: chr15-100602116-C-G. GRCh37 (hg19) VCF-style: chr15-101142321-C-G.
Other names: c.-104+5G>C (NM_001352508.2); c.-1013+5G>C (NM_001352507.2).
Identifiers: ClinVar variation 4293559 (VCV004293559.1).

ClinVar aggregate classification (germline): Uncertain significance (1 of 4 stars; one submission).

Conditions:
Intellectual developmental disorder, autosomal recessive 27. Also called: Mental retardation, autosomal recessive 27; Intellectual disability, autosomal recessive 27. Identifiers: Orphanet 88616, MedGen C3280538, MONDO:0013702, OMIM 614340.

Submission:

3billion
Classification: Uncertain significance for Intellectual developmental disorder, autosomal recessive 27. Last evaluated: 2024-11-25. Review status: criteria provided, single submitter. Criteria: ACMG Guidelines, 2015. Collection method: clinical testing. Allele origin: germline. Affected: yes.
Comment: The variant is not observed in the gnomAD v4.1.0 dataset. Predicted Consequence/Location: Intron variant In silico tools predict the variant to alter splicing and produce an abnormal transcript [SpliceAI: 0.95 (>=0.2, moderate evidence for spliceogenicity)]. Therefore, this variant is classified as VUS according to the recommendation of ACMG/AMP guideline.